The following is an entry in ClinVar:

ClinVar aggregate classification (germline): Uncertain significance. Review status: criteria provided, multiple submitters, no conflicts (2 of 4 stars). 4 submissions from 4 submitters: Uncertain significance (4). Last evaluated 2025-09-16.

Conditions:
Polycystic kidney disease, adult type (PKD1). Also called: Polycystic Kidney, Autosomal Dominant; Polycystic Kidney Disease 1, Autosomal Dominant; Polycystic kidney disease 1; Polycystic kidney disease 1, severe; POLYCYSTIC KIDNEY DISEASE 1 WITH OR WITHOUT POLYCYSTIC LIVER DISEASE; POLYCYSTIC KIDNEY DISEASE, ADULT, TYPE I. Identifiers: MedGen C3149841, MONDO:0008263, OMIM 173900.
PKD1-related disorder. Also called: PKD1-related condition.

Allele frequency attached by ClinVar (database versions not stated): gnomAD 0.00006 and 0.00007; ExAC 0.00008; gnomAD exomes 0.00008 and 0.00011; TOPMed 0.00009.
gnomAD v4.1: 172 of 1,610,458 alleles (0.011%); highest among the groups gnomAD compares: East Asian, 0.016%; no homozygotes.

Submissions (4):

Women's Health and Genetics/Laboratory Corporation of America, LabCorp
Classification: Uncertain significance. Last evaluated: 2025-09-16. Review status: criteria provided, single submitter. Criteria: LabCorp Variant Classification Summary - May 2015. Collection method: clinical testing. Allele origin: germline.
Comment: Variant summary: PKD1 c.8428G>A (p.Glu2810Lys) results in a conservative amino acid change in the encoded protein sequence. Algorithms developed to predict the effect of missense changes on protein structure and function all suggest that this variant is likely to be tolerated. The variant allele was found at a frequency of 7.7e-05 in 248362 control chromosomes. This frequency is not significantly higher than estimated for disease-causing variants in PKD1, allowing no conclusion about variant significance. c.8428G>A has been observed in individual(s) affected with Polycystic Kidney Disease 1 (Kurashige_2015). These report(s) do not provide unequivocal conclusions about association of the variant with Polycystic Kidney Disease 1. To our knowledge, no experimental evidence demonstrating an impact on protein function has been reported. The following publication have been ascertained in the context of this evaluation (PMID: 24611717). ClinVar contains an entry for this variant (Variation ID: 994675). Based on the evidence outlined above, the variant was classified as uncertain significance.

PreventionGenetics, part of Exact Sciences
Classification: Uncertain significance for PKD1-related condition. Last evaluated: 2025-07-30. Review status: criteria provided, single submitter. Criteria: ACMG Guidelines, 2015. Collection method: clinical testing. Allele origin: germline.
Comment: The PKD1 c.8428G>A variant is predicted to result in the amino acid substitution p.Glu2810Lys. This variant was reported in an individual in a genetic study of familial intracranial aneurysms (Hirota et al. 2016. PubMed ID: 27567292). This variant is reported in 0.023% of alleles in individuals of South Asian descent in gnomAD. Although we suspect that this variant may be benign due to relatively high minor allele frequency, at this time, the clinical significance of this variant is uncertain due to the absence of conclusive functional and genetic evidence.

Fulgent Genetics
Classification: Uncertain significance for Polycystic kidney disease, adult type. Last evaluated: 2021-12-09. Review status: criteria provided, single submitter. Criteria: ACMG Guidelines, 2015. Collection method: clinical testing. Allele origin: unknown.

Athena Diagnostics
Classification: Uncertain significance. Last evaluated: 2021-02-11. Review status: criteria provided, single submitter. Criteria: Athena Diagnostics criteria. Collection method: clinical testing. Allele origin: unknown.

Literature cited by the submitters: PubMed 24611717 (cited by Women's Health and Genetics/Laboratory Corporation of America, LabCorp); PubMed 27567292 (cited by Athena Diagnostics).

NM_001009944.3(PKD1):c.8428G>A (p.Glu2810Lys)

Gene: PKD1 (polycystin 1, transient receptor potential channel interacting; minus strand). Cytogenetic location: 16p13.3.
Variant type: single nucleotide variant.
Coding change: c.8428G>A on transcript NM_001009944.3 (MANE Select); coding-DNA position 8428, G replaced by A.
Protein change: p.Glu2810Lys; replaces glutamic acid 2810 with lysine.
Molecular consequence: missense variant.
Genome position (GRCh38, 1-based): chr16:2,103,629, C>T on the plus strand (G>A on the coding strand, the complement: PKD1 is on the minus strand). VCF-style: chr16-2103629-C-T. GRCh37 (hg19) VCF-style: chr16-2153630-C-T.
Other names: c.8428G>A, p.Glu2810Lys (NM_000296.4); c.8428G>A (NM_001009944.2); short protein forms E2810K.
Identifiers: ClinVar variation 994675 (VCV000994675.5), dbSNP rs777608163, ClinGen allele CA7830522.